The following is an entry in ClinVar:

ClinVar aggregate classification (germline): Uncertain significance (1 of 4 stars; one submission).

Conditions:
Anterior segment dysgenesis. Also called: Ocular anterior segment dysgenesis. Identifiers: Orphanet 88632, MedGen C1862839, MONDO:0019503, HP:0007700.
Congenital primary aphakia. Also called: Anterior segment dysgenesis 2, multiple subtypes; ANTERIOR SEGMENT DYSGENESIS 2. Identifiers: Orphanet 83461, MedGen C1853230, MONDO:0012456, OMIM 610256.

Submission:

Labcorp Genetics (formerly Invitae), Labcorp
Classification: Uncertain significance for Anterior segment dysgenesis; Congenital primary aphakia. Last evaluated: 2023-03-31. Review status: criteria provided, single submitter. Criteria: Invitae Variant Classification Sherloc (09022015). Collection method: clinical testing. Allele origin: germline.
Comment: This sequence change replaces arginine, which is basic and polar, with proline, which is neutral and non-polar, at codon 62 of the FOXE3 protein (p.Arg62Pro). This variant is not present in population databases (gnomAD no frequency). This variant has not been reported in the literature in individuals affected with FOXE3-related conditions. Advanced modeling of protein sequence and biophysical properties (such as structural, functional, and spatial information, amino acid conservation, physicochemical variation, residue mobility, and thermodynamic stability) performed at Invitae indicates that this missense variant is not expected to disrupt FOXE3 protein function. In summary, the available evidence is currently insufficient to determine the role of this variant in disease. Therefore, it has been classified as a Variant of Uncertain Significance.

NM_012186.3(FOXE3):c.185G>C (p.Arg62Pro)

Genes: FOXE3 (forkhead box E3; plus strand), LINC01389 (long independently transcribed non-coding RNA 1389; minus strand). Cytogenetic location: 1p33.
Variant type: single nucleotide variant.
Coding change: c.185G>C on transcript NM_012186.3 (MANE Select); coding-DNA position 185, G replaced by C.
Protein change: p.Arg62Pro; replaces arginine 62 with proline.
Molecular consequence: missense variant.
Genome position (GRCh38, 1-based): chr1:47,416,500, G>C. VCF-style: chr1-47416500-G-C. GRCh37 (hg19) VCF-style: chr1-47882172-G-C.
Other names: short protein forms R62P.
Identifiers: ClinVar variation 2946019 (VCV002946019.3), dbSNP rs2521316276, ClinGen allele CA340249201.